The following is an entry in ClinVar:

ClinVar aggregate classification (germline): Uncertain significance (1 of 4 stars; one submission).

gnomAD v4.1: 1 of 1,612,344 alleles (0.000062%); highest among the groups gnomAD compares: Admixed American, 0.0017%; no homozygotes.

Submission:

Ambry Genetics
Classification: Uncertain significance. Last evaluated: 2025-11-03. Review status: criteria provided, single submitter. Criteria: Ambry Variant Classification Scheme 2023. Collection method: clinical testing. Allele origin: germline.
Comment: The c.1484G>T (p.R495L) alteration is located in exon 11 (coding exon 11) of the ITGB1 gene. This alteration results from a G to T substitution at nucleotide position 1484, causing the arginine (R) at amino acid position 495 to be replaced by a leucine (L). Based on data from gnomAD, the T allele has an overall frequency of <0.001% (1/249932) total alleles studied. The highest observed frequency was 0.003% (1/34308) of Latino alleles. Based on insufficient or conflicting evidence, the clinical significance of this alteration remains unclear.

NM_002211.4(ITGB1):c.1484G>T (p.Arg495Leu)

Gene: ITGB1 (integrin subunit beta 1; minus strand). Cytogenetic location: 10p11.22.
Variant type: single nucleotide variant.
Coding change: c.1484G>T on transcript NM_002211.4 (MANE Select); coding-DNA position 1484, G replaced by T.
Protein change: p.Arg495Leu; replaces arginine 495 with leucine.
Molecular consequence: missense variant.
Genome position (GRCh38, 1-based): chr10:32,912,110, C>A on the plus strand (G>T on the coding strand, the complement: ITGB1 is on the minus strand). VCF-style: chr10-32912110-C-A. GRCh37 (hg19) VCF-style: chr10-33201038-C-A.
Other names: c.1484G>T, p.Arg495Leu (NM_033668.2, NM_133376.3); short protein forms R495L.
Identifiers: ClinVar variation 4679955 (VCV004679955.1).